The following is an entry in ClinVar:

NM_024652.6(LRRK1):c.5938G>C (p.Glu1980Gln)

Genes: LRRK1 (leucine rich repeat kinase 1; plus strand), LRRK1-AS1 (LRRK1 antisense RNA 1; minus strand). Cytogenetic location: 15q26.3.
Variant type: single nucleotide variant.
Coding change: c.5938G>C on transcript NM_024652.6 (MANE Select); coding-DNA position 5938, G replaced by C.
Protein change: p.Glu1980Gln; replaces glutamic acid 1980 with glutamine.
Molecular consequence: missense variant.
Genome position (GRCh38, 1-based): chr15:101,068,738, G>C. VCF-style: chr15-101068738-G-C. GRCh37 (hg19) VCF-style: chr15-101608943-G-C.
Other names: c.5938G>C (NM_024652.3); short protein forms E1980Q.
Identifiers: ClinVar variation 1964843 (VCV001964843.6), dbSNP rs757416596, ClinGen allele CA7762311.
Genomic context (GRCh38, chr15:101,068,738, plus strand): 5'-GTGGATGCTGCCGTGGTGGCAAAGGACACTGTTGTGTGCACCTTTGAAAATGAAAACACA[G>C]AGTGGTGCCTGGCCGTCTGGAGGGGCTGGGGCGCCAGGGAGTTCGACATTTTCTACCAGT-3'
Protein context (NP_078928.3, residues 1970-1990): VVCTFENENT[Glu1980Gln]WCLAVWRGWG

ClinVar aggregate classification (germline): Uncertain significance. Review status: criteria provided, multiple submitters, no conflicts (2 of 4 stars). 2 submissions from 2 submitters: Uncertain significance (2). Last evaluated 2022-01-27.

Conditions:
Inborn genetic diseases. Identifiers: MedGen C0950123, MeSH D030342.

Allele frequency attached by ClinVar (database versions not stated): gnomAD exomes 0.00001; ExAC 0.00003.
gnomAD v4.1: 3 of 1,613,964 alleles (0.00019%); highest among the groups gnomAD compares: Admixed American, 0.005%; no homozygotes.

Submissions (2):

Labcorp Genetics (formerly Invitae), Labcorp
Classification: Uncertain significance. Last evaluated: 2022-01-27. Review status: criteria provided, single submitter. Criteria: Invitae Variant Classification Sherloc (09022015). Collection method: clinical testing. Allele origin: germline.
Comment: In summary, the available evidence is currently insufficient to determine the role of this variant in disease. Therefore, it has been classified as a Variant of Uncertain Significance. Algorithms developed to predict the effect of missense changes on protein structure and function output the following: SIFT: "Tolerated"; PolyPhen-2: "Benign"; Align-GVGD: "Class C0". The glutamine amino acid residue is found in multiple mammalian species, which suggests that this missense change does not adversely affect protein function. This variant has not been reported in the literature in individuals affected with LRRK1-related conditions. This variant is present in population databases (rs757416596, gnomAD 0.01%). This sequence change replaces glutamic acid, which is acidic and polar, with glutamine, which is neutral and polar, at codon 1980 of the LRRK1 protein (p.Glu1980Gln).

Ambry Genetics
Classification: Uncertain significance for Inborn genetic diseases. Last evaluated: 2021-06-22. Review status: criteria provided, single submitter. Criteria: Ambry Variant Classification Scheme 2023. Collection method: clinical testing. Allele origin: germline.